The following is an entry in ClinVar:

NM_014324.6(AMACR):c.627A>T (p.Gly209=)

Genes: AMACR (alpha-methylacyl-CoA racemase; minus strand), C1QTNF3-AMACR (C1QTNF3-AMACR readthrough (NMD candidate); minus strand). Cytogenetic location: 5p13.2.
Variant type: single nucleotide variant.
Coding change: c.627A>T on transcript NM_014324.6 (MANE Select); coding-DNA position 627, A replaced by T.
Protein change: p.Gly209=; no amino-acid change (glycine 209 retained).
Molecular consequence: synonymous variant. On other transcripts: non-coding transcript variant (1), missense variant (1).
Genome position (GRCh38, 1-based): chr5:33,998,753, T>A on the plus strand (A>T on the coding strand, the complement: AMACR is on the minus strand). VCF-style: chr5-33998753-T-A. GRCh37 (hg19) VCF-style: chr5-33998858-T-A.
Other names: c.627A>T (NM_014324.5); c.627A>T, p.Gly209= (NM_001167595.2); c.466A>T, p.Thr156Ser (NM_203382.3); short protein forms T156S.
Identifiers: ClinVar variation 1931280 (VCV001931280.7), dbSNP rs2478995379, ClinGen allele CA359381546.

ClinVar aggregate classification (germline): Conflicting classifications of pathogenicity. Review status: criteria provided, conflicting classifications (1 of 4 stars). 3 submissions from 3 submitters: Uncertain significance (1); Likely benign (2). Last evaluated 2025-11-15.

Conditions:
Inborn genetic diseases. Identifiers: MedGen C0950123, MeSH D030342.
AMACR-related disorder. Also called: AMACR-related condition; AMACR-Related Disorders.
Alpha-methylacyl-CoA racemase deficiency (AMACRD). Also called: AMACR deficiency. Identifiers: Orphanet 79095, MedGen C3280428, MONDO:0013681, OMIM 614307. Disease mechanism: loss of function.

Submissions (3):

Labcorp Genetics (formerly Invitae), Labcorp
Classification: Likely benign for Alpha-methylacyl-CoA racemase deficiency. Last evaluated: 2025-11-15. Review status: criteria provided, single submitter. Criteria: Invitae Variant Classification Sherloc (09022015). Collection method: clinical testing. Allele origin: germline.

PreventionGenetics, part of Exact Sciences
Classification: Uncertain significance for AMACR-related condition. Last evaluated: 2025-09-30. Review status: criteria provided, single submitter. Criteria: ACMG Guidelines, 2015. Collection method: clinical testing. Allele origin: germline.
Comment: The AMACR c.627A>T variant is not predicted to result in an amino acid change (p.=). This variant is not predicted to impact splicing based on a splicing prediction program (SpliceAI, Jaganathan K, et al. 2019. PubMed ID: 30661751); however, in alternate transcripts (NM_203382.2), this variant is predicted to lead to a missense change (c.466A>T [p.Thr156Ser]) To our knowledge, this variant has not been reported in the literature or in a large population database (gnomAD), indicating this variant is rare. At this time, the clinical significance of this variant is uncertain due to the absence of conclusive functional and genetic evidence.

Ambry Genetics
Classification: Likely benign for Inborn genetic diseases. Last evaluated: 2025-01-24. Review status: criteria provided, single submitter. Criteria: Ambry Variant Classification Scheme 2023. Collection method: clinical testing. Allele origin: germline.